The following is an entry in ClinVar:

ClinVar aggregate classification (germline): Conflicting classifications of pathogenicity. Review status: criteria provided, conflicting classifications (1 of 4 stars). 5 submissions from 5 submitters: Uncertain significance (3); Likely benign (1). 1 of the submissions does not count toward it. Last evaluated 2025-05-19.

Conditions:
Neuromuscular disease caused by qualitative or quantitative defects of dysferlin. Also called: Dysferlinopathy; Qualitative or quantitative defects of dysferlin. Identifiers: Orphanet 207073, MedGen C2931687, MONDO:0016145.
Autosomal recessive limb-girdle muscular dystrophy type 2B (LGMDR2). Also called: Limb-girdle muscular dystrophy, type 2B; MUSCULAR DYSTROPHY, LIMB-GIRDLE, TYPE 3; Limb-Girdle Muscular Dystrophy Type 2B (LGMD2B); MUSCULAR DYSTROPHY, LIMB-GIRDLE, AUTOSOMAL RECESSIVE 2. Identifiers: Orphanet 268, MedGen C1850889, MONDO:0009676, OMIM 253601.

Allele frequency attached by ClinVar (database versions not stated): TOPMed 0.00005.
gnomAD v4.1: 9 of 1,614,032 alleles (0.00056%); highest among the groups gnomAD compares: Admixed American, 0.015%; no homozygotes.

Submissions (5):

Revvity Omics, Revvity
Classification: Uncertain significance. Last evaluated: 2025-05-19. Review status: criteria provided, single submitter. Criteria: ACMG Guidelines, 2015. Collection method: clinical testing. Allele origin: germline.

Labcorp Genetics (formerly Invitae), Labcorp
Classification: Likely benign for Neuromuscular disease caused by qualitative or quantitative defects of dysferlin. Last evaluated: 2025-04-17. Review status: criteria provided, single submitter. Criteria: Invitae Variant Classification Sherloc (09022015). Collection method: clinical testing. Allele origin: germline.

Athena Diagnostics
Classification: Uncertain significance. Last evaluated: 2024-12-18. Review status: criteria provided, single submitter. Criteria: Athena Diagnostics Criteria. Collection method: clinical testing. Allele origin: unknown.
Comment: Available data are insufficient to determine the clinical significance of the variant at this time. The frequency of this variant in the general population is uninformative in assessment of its pathogenicity. Polyphen and MutationTaster yielded discordant predictions regarding whether this amino acid change is damaging to the protein.

GeneDx
Classification: Uncertain significance. Last evaluated: 2024-08-02. Review status: criteria provided, single submitter. Criteria: GeneDx Variant Classification Process June 2021. Collection method: clinical testing. Allele origin: germline. Affected: yes.
Comment: In silico analysis indicates that this missense variant does not alter protein structure/function; Has not been previously published as pathogenic or benign to our knowledge; This variant is associated with the following publications: (PMID: 24438169)

Natera, Inc.
Classification: Uncertain significance for Limb-girdle muscular dystrophy type 2B. Last evaluated: 2019-10-28. Review status: no assertion criteria provided. Collection method: clinical testing. Allele origin: germline. Not counted in ClinVar's aggregate classification.

NM_001130987.2(DYSF):c.280G>C (p.Ala94Pro)

Gene: DYSF (dysferlin; plus strand). Cytogenetic location: 2p13.2.
Variant type: single nucleotide variant.
Coding change: c.280G>C on transcript NM_001130987.2 (MANE Select); coding-DNA position 280, G replaced by C.
Protein change: p.Ala94Pro; replaces alanine 94 with proline.
Molecular consequence: missense variant.
Genome position (GRCh38, 1-based): chr2:71,503,254, G>C. VCF-style: chr2-71503254-G-C. GRCh37 (hg19) VCF-style: chr2-71730384-G-C.
Other names: c.280G>C, p.Ala94Pro (NM_001130455.2, NM_001130982.2, NM_001130983.2 and 3 more transcripts); c.277G>C, p.Ala93Pro (NM_001130976.2, NM_001130977.2, NM_001130978.2 and 4 more transcripts); short protein forms A94P, A93P.
Identifiers: ClinVar variation 538625 (VCV000538625.12), dbSNP rs759171890, ClinGen allele CA1705302.